The following is an entry in ClinVar:

ClinVar aggregate classification (germline): Conflicting classifications of pathogenicity. Review status: criteria provided, conflicting classifications (1 of 4 stars). 8 submissions from 7 submitters: Uncertain significance (4); Benign (1); Likely benign (3). Last evaluated 2026-03-25.

Conditions:
Inborn genetic diseases. Identifiers: MedGen C0950123, MeSH D030342.
Joubert syndrome 9 (JBTS9). Identifiers: Orphanet 2318, MedGen C2676788, MONDO:0012849, OMIM 612285.
COACH syndrome 2. Identifiers: MedGen C5436837, MONDO:0030859, OMIM 619111.
Meckel syndrome, type 6. Identifiers: Orphanet 564, MedGen C2676790, MONDO:0012848, OMIM 612284.
Retinitis pigmentosa 93. Identifiers: MedGen C5676970, MONDO:0030797, OMIM 619845.
CC2D2A-related disorder. Also called: CC2D2A-related disorders; CC2D2A-related condition. Identifiers: MedGen CN239313.
Joubert syndrome. Also called: Familial aplasia of the vermis; JOUBERT-BOLTSHAUSER SYNDROME. Identifiers: Orphanet 475, MedGen C5979921, MONDO:0018772.
Meckel-Gruber syndrome. Also called: Dysencephalia splachnocystica; DYSENCEPHALIA SPLANCHNOCYSTICA; GRUBER SYNDROME. Identifiers: Orphanet 564, MedGen C0265215, MONDO:0018921.

Allele frequency attached by ClinVar (database versions not stated): ESP Exome Variant Server 0.00024; gnomAD 0.00025 and 0.00026; TOPMed 0.00028.
gnomAD v4.1: 443 of 1,613,474 alleles (0.027%); highest among the groups gnomAD compares: African/African-American, 0.052%; 1 homozygote.

Submissions (8):

PreventionGenetics, part of Exact Sciences
Classification: Uncertain significance for CC2D2A-related condition. Last evaluated: 2026-03-25. Review status: criteria provided, single submitter. Criteria: ACMG Guidelines, 2015. Collection method: clinical testing. Allele origin: germline.
Comment: The CC2D2A c.1691C>T variant is predicted to result in the amino acid substitution p.Thr564Met. To our knowledge, this variant has not been reported in the literature. This variant is reported in 0.037% of alleles in individuals of African descent in gnomAD. At this time, the clinical significance of this variant is uncertain due to the absence of conclusive functional and genetic evidence.

Labcorp Genetics (formerly Invitae), Labcorp
Classification: Benign for Joubert syndrome; Meckel-Gruber syndrome. Last evaluated: 2026-01-28. Review status: criteria provided, single submitter. Criteria: Invitae Variant Classification Sherloc (09022015). Collection method: clinical testing. Allele origin: germline.

Blueprint Genetics
Classification: Likely benign. Last evaluated: 2024-11-06. Review status: criteria provided, single submitter. Criteria: ACMG Guidelines, 2015. Collection method: clinical testing. Allele origin: germline.

Fulgent Genetics
Classification: Likely benign for Meckel syndrome, type 6; Joubert syndrome 9; COACH syndrome 2; Retinitis pigmentosa 93. Last evaluated: 2024-03-15. Review status: criteria provided, single submitter. Criteria: ACMG Guidelines, 2015. Collection method: clinical testing. Allele origin: germline.

Ambry Genetics
Classification: Likely benign for Inborn genetic diseases. Last evaluated: 2022-01-27. Review status: criteria provided, single submitter. Criteria: Ambry Variant Classification Scheme 2023. Collection method: clinical testing. Allele origin: germline.

Illumina Laboratory Services, Illumina
Classification: Uncertain significance for Joubert syndrome 9. Last evaluated: 2018-01-13. Review status: criteria provided, single submitter. Criteria: ICSL Variant Classification Criteria 13 December 2019. Collection method: clinical testing. Allele origin: germline.

Illumina Laboratory Services, Illumina
Classification: Uncertain significance for Meckel syndrome, type 6. Last evaluated: 2018-01-13. Review status: criteria provided, single submitter. Criteria: ICSL Variant Classification Criteria 13 December 2019. Collection method: clinical testing. Allele origin: germline.

Eurofins Ntd Llc (ga)
Classification: Uncertain significance. Last evaluated: 2017-09-29. Review status: criteria provided, single submitter. Criteria: EGL Classification Definitions 2015. Collection method: clinical testing. Allele origin: germline. Observed: 2 variant alleles, 2 heterozygotes.

NM_001378615.1(CC2D2A):c.1691C>T (p.Thr564Met)

Genes: CC2D2A (coiled-coil and C2 domain containing 2A; plus strand), FBXL5 (F-box and leucine rich repeat protein 5; minus strand). Cytogenetic location: 4p15.32.
Variant type: single nucleotide variant.
Coding change: c.1691C>T on transcript NM_001378615.1 (MANE Select); coding-DNA position 1691, C replaced by T.
Protein change: p.Thr564Met; replaces threonine 564 with methionine.
Molecular consequence: missense variant.
Genome position (GRCh38, 1-based): chr4:15,537,003, C>T. VCF-style: chr4-15537003-C-T. GRCh37 (hg19) VCF-style: chr4-15538626-C-T.
Other names: c.1691C>T, p.Thr564Met (NM_001080522.2); c.1544C>T, p.Thr515Met (NM_001378617.1); short protein forms T564M, T515M.
Identifiers: ClinVar variation 291191 (VCV000291191.23), dbSNP rs201954181, ClinGen allele CA2863732.